The following is an entry in ClinVar:

ClinVar aggregate classification (germline): Pathogenic (1 of 4 stars; one submission).

Conditions:
Primary ciliary dyskinesia 3. Identifiers: Orphanet 244, MedGen C1837618, MONDO:0012085, OMIM 608644.

Submission:

Myriad Genetics, Inc.
Classification: Pathogenic for Primary ciliary dyskinesia 3. Last evaluated: 2024-10-22. Review status: criteria provided, single submitter. Criteria: Myriad Autosomal Dominant, Autosomal Recessive and X-Linked Classification Criteria (2023). Collection method: clinical testing. Allele origin: unknown.
Comment: NM_001369.2(DNAH5):c.10769delA(N3590Mfs*14) is expected to be pathogenic in the context of primary ciliary dyskinesia, DNAH5-related. This variant is predicted to lead to an abnormal or absent protein product due to the creation of a premature termination codon in DNAH5, a gene where loss-of-function variants are known to be pathogenic. Please note: this variant was assessed in the context of healthy population screening.

NM_001369.3(DNAH5):c.10769del (p.Asn3590fs)

Gene: DNAH5 (dynein axonemal heavy chain 5; minus strand). Cytogenetic location: 5p15.2.
Variant type: Deletion.
Coding change: c.10769del on transcript NM_001369.3 (MANE Select); coding-DNA position 10769, one base deleted (A; older notation c.10769delA).
Protein change: p.Asn3590fs; shifts the reading frame from asparagine 3590.
Molecular consequence: frameshift variant.
Genome position (GRCh38, 1-based): chr5:13,753,336, T deleted on the plus strand (A on the coding strand, the reverse complement: DNAH5 is on the minus strand); the first of 4 consecutive T bases (chr5:13,753,336-13,753,339); deleting any one gives the same sequence. VCF-style (leftmost placement, unchanged base first): chr5-13753335-AT-A. GRCh37 (hg19) VCF-style: chr5-13753444-AT-A.
Other names: short protein forms N3590fs.
Identifiers: ClinVar variation 5013668 (VCV005013668.1).